The following is an entry in ClinVar:

NM_020778.5(ALPK3):c.-13G>C

Gene: ALPK3 (alpha kinase 3; plus strand). Cytogenetic location: 15q25.3.
Variant type: single nucleotide variant.
Coding change: c.-13G>C on transcript NM_020778.5 (MANE Select); 13 bases upstream of the start codon, G replaced by C.
Molecular consequence: 5 prime UTR variant.
Genome position (GRCh38, 1-based): chr15:84,817,440, G>C. VCF-style: chr15-84817440-G-C. GRCh37 (hg19) VCF-style: chr15-85360671-G-C.
Identifiers: ClinVar variation 1623626 (VCV001623626.11), dbSNP rs978144583, ClinGen allele CA273651109.

ClinVar aggregate classification (germline): Likely benign. Review status: criteria provided, multiple submitters, no conflicts (2 of 4 stars). 3 submissions from 3 submitters: Likely benign (3). Last evaluated 2026-03-23.

Conditions:
ALPK3-related disorder. Also called: ALPK3-related condition.
Cardiovascular phenotype. Identifiers: MedGen CN230736.

Allele frequency attached by ClinVar (database versions not stated): gnomAD exomes below 0.00001; TOPMed 0.00002; gnomAD 0.00003.

Submissions (3):

PreventionGenetics, part of Exact Sciences
Classification: Likely benign for ALPK3-related condition. Last evaluated: 2026-03-23. Review status: criteria provided, single submitter. Criteria: ACMG Guidelines, 2015. Collection method: clinical testing. Allele origin: germline.
Comment: This variant is classified as likely benign based on ACMG/AMP sequence variant interpretation guidelines (Richards et al. 2015 PMID: 25741868, with internal and published modifications).

Labcorp Genetics (formerly Invitae), Labcorp
Classification: Likely benign. Last evaluated: 2025-07-18. Review status: criteria provided, single submitter. Criteria: Invitae Variant Classification Sherloc (09022015). Collection method: clinical testing. Allele origin: germline.

Ambry Genetics
Classification: Likely benign for Cardiovascular phenotype. Last evaluated: 2022-10-17. Review status: criteria provided, single submitter. Criteria: Ambry Variant Classification Scheme 2023. Collection method: clinical testing. Allele origin: germline.